The following is an entry in ClinVar:

ClinVar aggregate classification (germline): Likely pathogenic. Review status: criteria provided, multiple submitters, no conflicts (2 of 4 stars). 3 submissions from 3 submitters: Likely pathogenic (3). Last evaluated 2025-12-17.

Conditions:
Pendred syndrome (PDS). Also called: DEAFNESS WITH GOITER; GOITER-DEAFNESS SYNDROME; HYPOTHYROIDISM, CONGENITAL, DUE TO DYSHORMONOGENESIS, 2B; THYROID DYSHORMONOGENESIS 2B; THYROID HORMONOGENESIS, GENETIC DEFECT IN, 2B; Pendred's syndrome. Identifiers: Orphanet 705, MedGen C0271829, MONDO:0010134, OMIM 274600.

gnomAD v4.1: 1 of 1,613,282 alleles (0.000062%); highest among the groups gnomAD compares: Non-Finnish European, 0.000085%; no homozygotes.

Submissions (4):

Natera, Inc.
Classification: Likely pathogenic for Pendred syndrome. Last evaluated: 2025-12-17. Review status: criteria provided, single submitter. Criteria: Natera Variant Classification Schema (03/2026). Collection method: clinical testing. Allele origin: germline.
Comment: The c.765+1G>A variant in SLC26A4 is a canonical splice donor site variant predicted to affect pre-mRNA splicing, which may result in an abnormal transcript and altered protein product. This variant is expected to result in nonsense mediated decay, truncation, or a dysfunctional protein product. This variant is rare in the general population with a frequency below the threshold expected for the associated phenotype(s). Given the available evidence, this variant is classified as Likely Pathogenic.

Myriad Genetics, Inc.
Classification: Likely pathogenic for Pendred syndrome. Last evaluated: 2025-09-23. Review status: criteria provided, single submitter. Criteria: Myriad Autosomal Dominant, Autosomal Recessive and X-Linked Classification Criteria (2023). Collection method: clinical testing. Allele origin: unknown.
Comment: NM_000441.1(SLC26A4):c.765+1G>A is a variant in a canonical splice site classified as likely pathogenic in the context of Pendred syndrome. c.765+1G>A has been observed in cases with relevant disease (PMID: 17125574, 24007330). Relevant functional assessments of this variant are not available in the literature. c.765+1G>A has not been observed in referenced population frequency databases. In summary, NM_000441.1(SLC26A4):c.765+1G>A is a variant in a canonical splice site that has been observed more frequently in cases with the relevant disease than in healthy populations. Please note: this variant was assessed in the context of healthy population screening.

GeneDx
Classification: Likely pathogenic. Last evaluated: 2024-12-19. Review status: criteria provided, single submitter. Criteria: GeneDx Variant Classification Process June 2021. Collection method: clinical testing. Allele origin: germline. Affected: yes.
Comment: Canonical splice site variant predicted to result in an in-frame loss of the adjacent exon in a gene for which loss of function is a known mechanism of disease; Not observed at significant frequency in large population cohorts (gnomAD); This variant is associated with the following publications: (PMID: 25525159, 38348997, 24007330, 17125574)

Dr. Peter K. Rogan Lab, Western University
No classification provided (evidence only). Condition: Cervical cancer. Review status: no classification provided. Collection method: in vitro. Allele origin: not applicable. Functional consequence: retained intron. Not counted in ClinVar's aggregate classification.

Literature cited by the submitters: PubMed 17125574 (cited by Myriad Genetics, Inc.); PubMed 24007330 (cited by Myriad Genetics, Inc.).

NM_000441.2(SLC26A4):c.765+1G>A

Gene: SLC26A4 (solute carrier family 26 member 4; plus strand). Cytogenetic location: 7q22.3.
Variant type: single nucleotide variant.
Coding change: c.765+1G>A on transcript NM_000441.2 (MANE Select); the canonical splice donor site of the intron after coding-DNA position 765, G replaced by A.
Molecular consequence: splice donor variant.
Genome position (GRCh38, 1-based): chr7:107,675,110, G>A. VCF-style: chr7-107675110-G-A. GRCh37 (hg19) VCF-style: chr7-107315555-G-A.
Other names: NC_000007.13:g.107315555G>A; c.765+1G>A (NM_000441.1).
Identifiers: ClinVar variation 3906452 (VCV003906452.4).
Genomic context (GRCh38, chr7:107,675,110, plus strand): 5'-CTAAAGATTGTCCTCAATGTTTCAACCAAAAACTACAATGGAGTTCTCTCTATTATCTAT[G>A]TAAGTGTTGCTTCTTGCTCCAGGGATGGGTCACTGTTCATTCCAGAAACAATTGTATTCA-3'